The following is an entry in ClinVar:

ClinVar aggregate classification (germline): Uncertain significance (1 of 4 stars; one submission).

Conditions:
Hereditary cancer-predisposing syndrome. Also called: Neoplastic Syndromes, Hereditary; Tumor predisposition; Hereditary neoplastic syndrome; Hereditary Cancer Syndrome. Identifiers: Orphanet 140162, MedGen C0027672, MeSH D009386, MONDO:0015356.

Submission:

Ambry Genetics
Classification: Uncertain significance for Hereditary cancer-predisposing syndrome. Last evaluated: 2026-08-08. Review status: criteria provided, single submitter. Criteria: Ambry Variant Classification Scheme 2023. Collection method: clinical testing. Allele origin: germline.
Comment: The p.P68L variant (also known as c.203C>T), located in coding exon 2 of the BMPR1A gene, results from a C to T substitution at nucleotide position 203. The proline at codon 68 is replaced by leucine, an amino acid with similar properties. This amino acid position is conserved. In addition, this alteration is predicted to be deleterious by in silico analysis. Based on the available evidence, the clinical significance of this variant remains unclear.

NM_004329.3(BMPR1A):c.203C>T (p.Pro68Leu)

Gene: BMPR1A (bone morphogenetic protein receptor type 1A; plus strand). Cytogenetic location: 10q23.2.
Variant type: single nucleotide variant.
Coding change: c.203C>T on transcript NM_004329.3 (MANE Select); coding-DNA position 203, C replaced by T.
Protein change: p.Pro68Leu; replaces proline 68 with leucine.
Molecular consequence: missense variant. On other transcripts: non-coding transcript variant (3).
Genome position (GRCh38, 1-based): chr10:86,890,197, C>T. VCF-style: chr10-86890197-C-T. GRCh37 (hg19) VCF-style: chr10-88649954-C-T.
Other names: c.203C>T, p.Pro68Leu (NM_001406559.1, NM_001406560.1, NM_001406561.1 and 23 more transcripts); c.119C>T, p.Pro40Leu (NM_001406584.1, NM_001406585.1, NM_001406586.1 and 2 more transcripts); short protein forms P40L, P68L.
Identifiers: ClinVar variation 5033041 (VCV005033041.1).
Genomic context (GRCh38, chr10:86,890,197, plus strand): 5'-TAACCTTAGCACCAGAGGATACCTTGCCTTTTTTAAAGTGCTATTGCTCAGGGCACTGTC[C>T]AGATGATGCTATTAATAACACATGCATGTAAGTATTTTATGCAGCCCTTCTTAAGAGTTA-3'
Protein context (NP_004320.2, residues 58-78): FLKCYCSGHC[Pro68Leu]DDAINNTCIT